The following is an entry in ClinVar:

NM_020937.4(FANCM):c.5053G>A (p.Glu1685Lys)

Gene: FANCM (FA complementation group M; plus strand). Cytogenetic location: 14q21.2.
Variant type: single nucleotide variant.
Coding change: c.5053G>A on transcript NM_020937.4 (MANE Select); coding-DNA position 5053, G replaced by A.
Protein change: p.Glu1685Lys; replaces glutamic acid 1685 with lysine.
Molecular consequence: missense variant.
Genome position (GRCh38, 1-based): chr14:45,189,075, G>A. VCF-style: chr14-45189075-G-A. GRCh37 (hg19) VCF-style: chr14-45658278-G-A.
Other names: c.4975G>A, p.Glu1659Lys (NM_001308133.2); short protein forms E1659K, E1685K.
Identifiers: ClinVar variation 3368488 (VCV003368488.2).

ClinVar aggregate classification (germline): Uncertain significance. Review status: criteria provided, multiple submitters, no conflicts (2 of 4 stars). 2 submissions from 2 submitters: Uncertain significance (2). Last evaluated 2026-06-27.

Conditions:
Inborn genetic diseases. Identifiers: MedGen C0950123, MeSH D030342.

gnomAD v4.1: 2 of 1,614,012 alleles (0.00012%); highest among the groups gnomAD compares: Non-Finnish European, 0.00017%; no homozygotes.

Submissions (2):

Ambry Genetics
Classification: Uncertain significance for Inborn genetic diseases. Last evaluated: 2026-06-27. Review status: criteria provided, single submitter. Criteria: Ambry Variant Classification Scheme 2023. Collection method: clinical testing. Allele origin: germline.
Comment: The p.E1685K variant (also known as c.5053G>A), located in coding exon 20 of the FANCM gene, results from a G to A substitution at nucleotide position 5053. The glutamic acid at codon 1685 is replaced by lysine, an amino acid with similar properties. This amino acid position is conserved. In addition, this alteration is predicted to be tolerated by in silico analysis. Based on the available evidence, the clinical significance of this variant remains unclear.

GeneDx
Classification: Uncertain significance. Last evaluated: 2024-01-29. Review status: criteria provided, single submitter. Criteria: GeneDx Variant Classification Process June 2021. Collection method: clinical testing. Allele origin: germline. Affected: yes.
Comment: Not observed at significant frequency in large population cohorts (gnomAD); In silico analysis supports that this missense variant does not alter protein structure/function; Has not been previously published as pathogenic or benign to our knowledge